The following is an entry in ClinVar:

ClinVar aggregate classification (germline): Conflicting classifications of pathogenicity. Review status: criteria provided, conflicting classifications (1 of 4 stars). 2 submissions from 2 submitters: Likely pathogenic (1); Uncertain significance (1). Last evaluated 2024-10-09.

Conditions:
Retinitis pigmentosa 13 (RP13). Also called: PRPF 8-Related Retinitis Pigmentosa. Identifiers: Orphanet 791, MedGen C1838702, MONDO:0010806, OMIM 600059.
Neurodevelopmental disorder. Identifiers: MedGen C1535926, MeSH D065886, MONDO:0700092.

Submissions (2):

Victorian Clinical Genetics Services, Murdoch Childrens Research Institute
Classification: Uncertain significance for Neurodevelopmental disorder. Last evaluated: 2024-10-09. Review status: criteria provided, single submitter. Criteria: ACMG Guidelines, 2015. Collection method: clinical testing. Allele origin: germline. Inheritance: Autosomal dominant inheritance. Affected: yes.
Comment: Based on the classification scheme VCGS_Germline_v1.3.4, this variant is classified as VUS-3A. Following criteria are met: 0105 - The mechanism of disease for this gene is not clearly established. (I) 0107 - This gene is associated with autosomal dominant disease. Variants associated with retinitis pigmentosa 13 (MIM#600059) are primarily within the C-terminal of Jab1/MPN domain, while variants associated with neurodevelopmental disorder (MONDO:0700092), PRPF8-related, are located throughout the protein (PMID: 29087248, 35543142). (I) 0115 - Variants in this gene are known to have variable expressivity. Variable expressivity has been reported in families with retinitis pigmentosa (PMIDs: 22039234, 29087248). (I) 0211 - Canonical splice site variant without proven consequence on splicing (no functional evidence available). (SP) 0251 - This variant is heterozygous. (I) 0301 - Variant is absent from gnomAD (both v2 and v3). (SP) 0508 - In silico predictions for abnormal splicing are conflicting. (I) 0705 - No comparable splice variants have previous evidence for pathogenicity. (I) 0803 - This variant has limited previous evidence of pathogenicity in an unrelated individual. There is one likely pathogenic entry in ClinVar. (SP) 0905 - No published segregation evidence has been identified for this variant. (I) 1007 - No published functional evidence has been identified for this variant. (I) Legend: (SP) - Supporting pathogenic, (I) - Information, (SB) - Supporting benign

Genomic Medicine Center of Excellence, King Faisal Specialist Hospital and Research Centre
Classification: Likely pathogenic for Retinitis pigmentosa 13. Last evaluated: 2024-04-04. Review status: criteria provided, single submitter. Criteria: ACMG Guidelines, 2015. Collection method: clinical testing. Allele origin: germline.

Literature cited by the submitters: PubMed 22039234 (cited by Victorian Clinical Genetics Services, Murdoch Childrens Research Institute); PubMed 29087248 (cited by Victorian Clinical Genetics Services, Murdoch Childrens Research Institute); PubMed 35543142 (cited by Victorian Clinical Genetics Services, Murdoch Childrens Research Institute).

NM_006445.4(PRPF8):c.4338+2T>C

Gene: PRPF8 (pre-mRNA processing factor 8; minus strand). Cytogenetic location: 17p13.3.
Variant type: single nucleotide variant.
Coding change: c.4338+2T>C on transcript NM_006445.4 (MANE Select); the canonical splice donor site of the intron after coding-DNA position 4338, T replaced by C.
Molecular consequence: splice donor variant.
Genome position (GRCh38, 1-based): chr17:1,661,269, A>G on the plus strand (T>C on the coding strand, the complement: PRPF8 is on the minus strand). VCF-style: chr17-1661269-A-G. GRCh37 (hg19) VCF-style: chr17-1564563-A-G.
Other names: c.4338+2T>C (NM_006445.3).
Identifiers: ClinVar variation 3067921 (VCV003067921.2), dbSNP rs2543734023, ClinGen allele CA397576901.